The following is an entry in ClinVar:

NM_001003841.3(SLC6A19):c.774+6T>A

Gene: SLC6A19 (solute carrier family 6 member 19; plus strand). Cytogenetic location: 5p15.33.
Variant type: single nucleotide variant.
Coding change: c.774+6T>A on transcript NM_001003841.3 (MANE Select); 6 bases into the intron after coding-DNA position 774, T replaced by A.
Molecular consequence: intron variant.
Genome position (GRCh38, 1-based): chr5:1,213,579, T>A. VCF-style: chr5-1213579-T-A. GRCh37 (hg19) VCF-style: chr5-1213694-T-A.
Identifiers: ClinVar variation 1494984 (VCV001494984.4), dbSNP rs369119506, ClinGen allele CA3182867.
Genomic context (GRCh38, chr5:1,213,579, plus strand): 5'-AGGCCTGACGCTGAAGGGCGCCACCAATGGCATCGTCTTCCTCTTCACGCCCAACGTAAG[T>A]CCCCGAGGCTGCCCTGGGCCCAGACCCCGGGAGAGGCCTGGCTGCCCTGTGCCCCCGCCA-3'

ClinVar aggregate classification (germline): Conflicting classifications of pathogenicity. Review status: criteria provided, conflicting classifications (1 of 4 stars). 2 submissions from 2 submitters: Uncertain significance (1); Likely benign (1). Last evaluated 2024-07-15.

Allele frequency attached by ClinVar (database versions not stated): gnomAD 0.00016 and 0.00017; gnomAD exomes 0.00018; ExAC 0.00019; TOPMed 0.00021; ESP Exome Variant Server 0.00023.
gnomAD v4.1: 382 of 1,610,098 alleles (0.024%); highest among the groups gnomAD compares: Non-Finnish European, 0.031%; 1 homozygote.

Submissions (2):

Blueprint Genetics
Classification: Likely benign. Last evaluated: 2024-07-15. Review status: criteria provided, single submitter. Criteria: ACMG Guidelines, 2015. Collection method: clinical testing. Allele origin: germline.

Labcorp Genetics (formerly Invitae), Labcorp
Classification: Uncertain significance. Last evaluated: 2022-03-26. Review status: criteria provided, single submitter. Criteria: Invitae Variant Classification Sherloc (09022015). Collection method: clinical testing. Allele origin: germline.
Comment: This sequence change falls in intron 5 of the SLC6A19 gene. It does not directly change the encoded amino acid sequence of the SLC6A19 protein. It affects a nucleotide within the consensus splice site. This variant is present in population databases (rs369119506, gnomAD 0.04%). This variant has not been reported in the literature in individuals affected with SLC6A19-related conditions. Variants that disrupt the consensus splice site are a relatively common cause of aberrant splicing (PMID: 17576681, 9536098). Algorithms developed to predict the effect of sequence changes on RNA splicing suggest that this variant is not likely to affect RNA splicing. In summary, the available evidence is currently insufficient to determine the role of this variant in disease. Therefore, it has been classified as a Variant of Uncertain Significance.

Literature cited by the submitters: PubMed 17576681 (cited by Labcorp Genetics (formerly Invitae), Labcorp); PubMed 9536098 (cited by Labcorp Genetics (formerly Invitae), Labcorp).